The following is an entry in ClinVar:

NM_002292.4(LAMB2):c.1224C>T (p.Arg408=)

Gene: LAMB2 (laminin subunit beta 2; minus strand). Cytogenetic location: 3p21.31.
Variant type: single nucleotide variant.
Coding change: c.1224C>T on transcript NM_002292.4 (MANE Select); coding-DNA position 1224, C replaced by T.
Protein change: p.Arg408=; no amino-acid change (arginine 408 retained).
Molecular consequence: synonymous variant.
Genome position (GRCh38, 1-based): chr3:49,130,232, G>A on the plus strand (C>T on the coding strand, the complement: LAMB2 is on the minus strand). VCF-style: chr3-49130232-G-A. GRCh37 (hg19) VCF-style: chr3-49167665-G-A.
Identifiers: ClinVar variation 1967728 (VCV001967728.5), dbSNP rs2472553393, ClinGen allele CA433834982.

ClinVar aggregate classification (germline): Uncertain significance (1 of 4 stars; one submission).

Conditions:
LAMB2-related infantile-onset nephrotic syndrome. Also called: Nephrotic Syndrome, type 5; NEPHROTIC SYNDROME, TYPE 5, WITHOUT OCULAR ABNORMALITIES; NEPHROTIC SYNDROME, TYPE 5, WITH OCULAR ABNORMALITIES. Identifiers: Orphanet 306507, MedGen C3280113, MONDO:0013621, OMIM 614199.
Pierson syndrome. Also called: MICROCORIA-CONGENITAL NEPHROTIC SYNDROME. Identifiers: Orphanet 2670, MedGen C1836876, MONDO:0012184, OMIM 609049.

Submission:

Labcorp Genetics (formerly Invitae), Labcorp
Classification: Uncertain significance for LAMB2-related infantile-onset nephrotic syndrome; Pierson syndrome. Last evaluated: 2022-04-07. Review status: criteria provided, single submitter. Criteria: Invitae Variant Classification Sherloc (09022015). Collection method: clinical testing. Allele origin: germline.
Comment: This variant has not been reported in the literature in individuals affected with LAMB2-related conditions. This sequence change affects codon 408 of the LAMB2 mRNA. It is a 'silent' change, meaning that it does not change the encoded amino acid sequence of the LAMB2 protein. It affects a nucleotide within the consensus splice site. This variant is not present in population databases (gnomAD no frequency). Algorithms developed to predict the effect of sequence changes on RNA splicing suggest that this variant is not likely to affect RNA splicing. In summary, the available evidence is currently insufficient to determine the role of this variant in disease. Therefore, it has been classified as a Variant of Uncertain Significance.